The following is an entry in ClinVar:

NM_001018005.2(TPM1):c.14A>G (p.Lys5Arg)

Gene: TPM1 (tropomyosin 1; plus strand). Cytogenetic location: 15q22.2.
Variant type: single nucleotide variant.
Coding change: c.14A>G on transcript NM_001018005.2 (MANE Select); coding-DNA position 14, A replaced by G.
Protein change: p.Lys5Arg; replaces lysine 5 with arginine.
Molecular consequence: missense variant. On other transcripts: non-coding transcript variant (11).
Genome position (GRCh38, 1-based): chr15:63,042,843, A>G. VCF-style: chr15-63042843-A-G. GRCh37 (hg19) VCF-style: chr15-63335042-A-G.
Other names: c.14A>G, p.Lys5Arg (NM_000366.6, NM_001018004.2, NM_001018006.2 and 24 more transcripts); short protein forms K5R.
Identifiers: ClinVar variation 3972630 (VCV003972630.1).

ClinVar aggregate classification (germline): Uncertain significance (1 of 4 stars; one submission).

Conditions:
Cardiovascular phenotype. Identifiers: MedGen CN230736.

Submission:

Ambry Genetics
Classification: Uncertain significance for Cardiovascular phenotype. Last evaluated: 2025-04-24. Review status: criteria provided, single submitter. Criteria: Ambry Variant Classification Scheme 2023. Collection method: clinical testing. Allele origin: germline.
Comment: The p.K5R variant (also known as c.14A>G), located in coding exon 1 of the TPM1 gene, results from an A to G substitution at nucleotide position 14. The lysine at codon 5 is replaced by arginine, an amino acid with highly similar properties. This amino acid position is conserved. In addition, this alteration is predicted to be deleterious by in silico analysis. Based on the available evidence, the clinical significance of this variant remains unclear.